The following is an entry in ClinVar:

ClinVar aggregate classification (germline): Pathogenic (1 of 4 stars; one submission).

Conditions:
Neurofibromatosis, type 1 (NF1). Also called: VON RECKLINGHAUSEN DISEASE; Peripheral type neurofibromatosis; NEUROFIBROMATOSIS, TYPE I, SOMATIC; Neurofibromatosis, type I. Identifiers: Orphanet 636, MedGen C0027831, MONDO:0018975, OMIM 162200. Disease mechanism: loss of function.

Submission:

Labcorp Genetics (formerly Invitae), Labcorp
Classification: Pathogenic for Neurofibromatosis, type 1. Last evaluated: 2020-10-11. Review status: criteria provided, single submitter. Criteria: Invitae Variant Classification Sherloc (09022015). Collection method: clinical testing. Allele origin: germline.
Comment: This sequence change creates a premature translational stop signal (p.Leu1812Valfs*28) in the NF1 gene. It is expected to result in an absent or disrupted protein product. For these reasons, this variant has been classified as Pathogenic. Loss-of-function variants in NF1 are known to be pathogenic (PMID: 10712197, 23913538). This variant has not been reported in the literature in individuals with NF1-related conditions. This variant is not present in population databases (ExAC no frequency).

Literature cited by the submitters: PubMed 10712197; PubMed 23913538.

NM_001042492.3(NF1):c.5497_5498del (p.Leu1833fs)

Gene: NF1 (neurofibromin 1; plus strand). Cytogenetic location: 17q11.2.
Variant type: Deletion.
Coding change: c.5497_5498del on transcript NM_001042492.3 (MANE Select); coding-DNA positions 5497 to 5498, 2 bases deleted (CT; older notation c.5497_5498delCT).
Protein change: p.Leu1833fs; shifts the reading frame from leucine 1833.
Molecular consequence: frameshift variant.
Genome position (GRCh38, 1-based): chr17:31,327,727-31,327,728, CT deleted. VCF-style (leftmost placement, unchanged base first): chr17-31327726-ACT-A. GRCh37 (hg19) VCF-style: chr17-29654744-ACT-A.
Other names: c.5434_5435delCT, p.Leu1812Valfs (NM_000267.4); short protein forms L1812fs, L1833fs.
Identifiers: ClinVar variation 1071848 (VCV001071848.5), dbSNP rs2151541563, ClinGen allele CA2499224171.